The following is an entry in ClinVar:

ClinVar aggregate classification (germline): Likely benign (1 of 4 stars; one submission).

gnomAD v4.1: 26 of 1,614,054 alleles (0.0016%); highest among the groups gnomAD compares: Non-Finnish European, 0.002%; no homozygotes.

Submission:

CeGaT Center for Human Genetics Tuebingen
Classification: Likely benign. Last evaluated: 2026-10-01. Review status: criteria provided, single submitter. Criteria: CeGaT Center For Human Genetics Tuebingen Variant Classification Criteria Version 2. Collection method: clinical testing. Allele origin: germline. Affected: yes. Observed: 1 variant allele.
Comment: ARID2: BP4, BP7

NM_152641.4(ARID2):c.5088A>G (p.Leu1696=)

Gene: ARID2 (AT-rich interaction domain 2; plus strand). Cytogenetic location: 12q12.
Variant type: single nucleotide variant.
Coding change: c.5088A>G on transcript NM_152641.4 (MANE Select); coding-DNA position 5088, A replaced by G.
Protein change: p.Leu1696=; no amino-acid change (leucine 1696 retained).
Molecular consequence: synonymous variant.
Genome position (GRCh38, 1-based): chr12:45,892,037, A>G. VCF-style: chr12-45892037-A-G. GRCh37 (hg19) VCF-style: chr12-46285820-A-G.
Other names: c.5088A>G, p.Leu1696= (NM_001347839.2).
Identifiers: ClinVar variation 5041382 (VCV005041382.1).
Genomic context (GRCh38, chr12:45,892,037, plus strand): 5'-CGTGCCATTCTCTTGCTTCCTCTTCCTCAAAAAGGATAAGCACTGTTCAAAGGATGCCCT[A>G]CTTGCAGGATTAAAACAAGATGAACCAGGACAAGCAGGAAGTCAGAAGTCTTCTACCAAG-3'
Protein context (NP_689854.2, residues 1686-1706): LQDKHCSKDA[Leu1696=]LAGLKQDEPG